The following is an entry in ClinVar:

ClinVar aggregate classification (germline): Uncertain significance (1 of 4 stars; one submission).

Conditions:
Interstitial lung disease 2 (ILD2). Also called: FIBROCYSTIC PULMONARY DYSPLASIA; FIBROSING ALVEOLITIS, CRYPTOGENIC; Familial idiopathic pulmonary fibrosis. Identifiers: Orphanet 2032, Orphanet 79126, MedGen C5561926, MONDO:0800497, OMIM 178500, MONDO:0800029.
Dyskeratosis congenita, autosomal dominant 2. Identifiers: MedGen C3151443, MONDO:0013521, OMIM 613989.

Submission:

Labcorp Genetics (formerly Invitae), Labcorp
Classification: Uncertain significance for Dyskeratosis congenita, autosomal dominant 2; Idiopathic Pulmonary Fibrosis. Last evaluated: 2020-07-25. Review status: criteria provided, single submitter. Criteria: Invitae Variant Classification Sherloc (09022015). Collection method: clinical testing. Allele origin: germline.
Comment: This variant results in a copy number gain of the genomic region encompassing exons 13-16 of the TERT gene. The 5' boundary is likely confined to intron 12. The 3' end of this event is unknown as it extends beyond the assayed region for this gene and therefore may encompass additional genes. As the precise location of this event is unknown, it may be in tandem or it may be located elsewhere in the genome. A copy number gain of exons 13-16 has not been reported in the literature in individuals with TERT-related disease. Experimental studies and prediction algorithms are not available for this variant, and the functional significance of the duplicated amino acids is currently unknown. In summary, the available evidence is currently insufficient to determine the role of this variant in disease. Therefore, it has been classified as a Variant of Uncertain Significance.

NC_000005.9:g.(?_1253843)_(1258784_?)dup

Gene: TERT (telomerase reverse transcriptase; minus strand). Cytogenetic location: 5p15.33.
Variant type: Duplication.
Identifiers: ClinVar variation 1025595 (VCV001025595.1).